The following is an entry in ClinVar:

ClinVar aggregate classification (germline): Conflicting classifications of pathogenicity. Review status: criteria provided, conflicting classifications (1 of 4 stars). 2 submissions from 2 submitters: Likely pathogenic (1); Uncertain significance (1). Last evaluated 2024-12-24.

Conditions:
CLRN1-related disorder. Also called: CLRN1-related condition.

Submissions (2):

Labcorp Genetics (formerly Invitae), Labcorp
Classification: Uncertain significance. Last evaluated: 2024-12-24. Review status: criteria provided, single submitter. Criteria: Invitae Variant Classification Sherloc (09022015). Collection method: clinical testing. Allele origin: germline.
Comment: This sequence change replaces serine, which is neutral and polar, with alanine, which is neutral and non-polar, at codon 50 of the CLRN1 protein (p.Ser50Ala). This variant is not present in population databases (gnomAD no frequency). This variant has not been reported in the literature in individuals affected with CLRN1-related conditions. An algorithm developed to predict the effect of missense changes on protein structure and function (PolyPhen-2) suggests that this variant is likely to be disruptive. In summary, the available evidence is currently insufficient to determine the role of this variant in disease. Therefore, it has been classified as a Variant of Uncertain Significance.

Blueprint Genetics
Classification: Likely pathogenic for CLRN1-related disorders. Last evaluated: 2022-10-12. Review status: criteria provided, single submitter. Criteria: ACMG Guidelines, 2015. Collection method: clinical testing. Allele origin: germline. Affected: yes. Observed: 2 variant alleles.

NM_174878.3(CLRN1):c.148T>G (p.Ser50Ala)

Gene: CLRN1 (clarin 1; minus strand). Cytogenetic location: 3q25.1.
Variant type: single nucleotide variant.
Coding change: c.148T>G on transcript NM_174878.3 (MANE Select); coding-DNA position 148, T replaced by G.
Protein change: p.Ser50Ala; replaces serine 50 with alanine.
Molecular consequence: missense variant. On other transcripts: non-coding transcript variant (1).
Genome position (GRCh38, 1-based): chr3:150,972,561, A>C on the plus strand (T>G on the coding strand, the complement: CLRN1 is on the minus strand). VCF-style: chr3-150972561-A-C. GRCh37 (hg19) VCF-style: chr3-150690348-A-C.
Other names: c.148T>G, p.Ser50Ala (NM_001195794.1, NM_001256819.2); short protein forms S50A.
Identifiers: ClinVar variation 3727422 (VCV003727422.3).